The following is an entry in ClinVar:

ClinVar aggregate classification (germline): Uncertain significance (1 of 4 stars; one submission).

Allele frequency attached by ClinVar (database versions not stated): gnomAD exomes below 0.00001.

Submission:

Labcorp Genetics (formerly Invitae), Labcorp
Classification: Uncertain significance. Last evaluated: 2023-11-03. Review status: criteria provided, single submitter. Criteria: Invitae Variant Classification Sherloc (09022015). Collection method: clinical testing. Allele origin: germline.
Comment: This sequence change replaces methionine, which is neutral and non-polar, with threonine, which is neutral and polar, at codon 12 of the CLUAP1 protein (p.Met12Thr). This variant is not present in population databases (gnomAD no frequency). This variant has not been reported in the literature in individuals affected with CLUAP1-related conditions. Advanced modeling of protein sequence and biophysical properties (such as structural, functional, and spatial information, amino acid conservation, physicochemical variation, residue mobility, and thermodynamic stability) performed at Invitae indicates that this missense variant is not expected to disrupt CLUAP1 protein function with a negative predictive value of 80%. In summary, the available evidence is currently insufficient to determine the role of this variant in disease. Therefore, it has been classified as a Variant of Uncertain Significance.

NM_015041.3(CLUAP1):c.35T>C (p.Met12Thr)

Gene: CLUAP1 (clusterin associated protein 1; plus strand). Cytogenetic location: 16p13.3.
Variant type: single nucleotide variant.
Coding change: c.35T>C on transcript NM_015041.3 (MANE Select); coding-DNA position 35, T replaced by C.
Protein change: p.Met12Thr; replaces methionine 12 with threonine.
Molecular consequence: missense variant.
Genome position (GRCh38, 1-based): chr16:3,504,732, T>C. VCF-style: chr16-3504732-T-C. GRCh37 (hg19) VCF-style: chr16-3554732-T-C.
Other names: c.35T>C, p.Met12Thr (NM_001330454.2); short protein forms M12T.
Identifiers: ClinVar variation 2693035 (VCV002693035.3), dbSNP rs1228291399, ClinGen allele CA394510645.
Genomic context (GRCh38, chr16:3,504,732, plus strand): 5'-GTTGCTGTGTGATGGGGAACTGAATGAATTGTATTTTTCCTTGGACAGATTTCACAGAGA[T>C]GATGAGAGCCCTGGGATACCCTCGACATATTTCTATGGAAAATTTCCGTACACCCAATTT-3'
Protein context (NP_055856.1, residues 2-22): SFRDLRNFTE[Met12Thr]MRALGYPRHI